The following is an entry in ClinVar:

ClinVar aggregate classification (germline): Uncertain significance (1 of 4 stars; one submission).

Allele frequency attached by ClinVar (database versions not stated): gnomAD exomes below 0.00001; ExAC 0.00001; gnomAD 0.00001 and 0.00002; TOPMed 0.00002.

Submission:

Labcorp Genetics (formerly Invitae), Labcorp
Classification: Uncertain significance. Last evaluated: 2025-12-20. Review status: criteria provided, single submitter. Criteria: Invitae Variant Classification Sherloc (09022015). Collection method: clinical testing. Allele origin: germline.
Comment: This sequence change replaces leucine, which is neutral and non-polar, with phenylalanine, which is neutral and non-polar, at codon 469 of the POLE2 protein (p.Leu469Phe). This variant is present in population databases (rs762379944, gnomAD 0.003%). This variant has not been reported in the literature in individuals affected with POLE2-related conditions. ClinVar contains an entry for this variant (Variation ID: 1371299). An algorithm developed to predict the effect of missense changes on protein structure and function (PolyPhen-2) suggests that this variant is likely to be disruptive. In summary, the available evidence is currently insufficient to determine the role of this variant in disease. Therefore, it has been classified as a Variant of Uncertain Significance.

NM_002692.4(POLE2):c.1407G>C (p.Leu469Phe)

Gene: POLE2 (DNA polymerase epsilon 2, accessory subunit; minus strand). Cytogenetic location: 14q21.3.
Variant type: single nucleotide variant.
Coding change: c.1407G>C on transcript NM_002692.4 (MANE Select); coding-DNA position 1407, G replaced by C.
Protein change: p.Leu469Phe; replaces leucine 469 with phenylalanine.
Molecular consequence: missense variant.
Genome position (GRCh38, 1-based): chr14:49,650,355, C>G on the plus strand (G>C on the coding strand, the complement: POLE2 is on the minus strand). VCF-style: chr14-49650355-C-G. GRCh37 (hg19) VCF-style: chr14-50117073-C-G.
Other names: c.1329G>C, p.Leu443Phe (NM_001197330.2); c.1407G>C, p.Leu469Phe (NM_001197331.3); c.1404G>C, p.Leu468Phe (NM_001348384.2); c.1176G>C, p.Leu392Phe (NM_001348385.2); short protein forms L469F, L392F, L443F, L468F.
Identifiers: ClinVar variation 1371299 (VCV001371299.6), dbSNP rs762379944, ClinGen allele CA7173278.
Genomic context (GRCh38, chr14:49,650,355, plus strand): 5'-CGTAGTGAAAGGATCATATTTGTCTGCAATGACAAGTAGATCGGGCACAGGATACACTCT[C>G]AAAGCATAGTCATATGCCCAATACACTGGGCAGACATAAAGAGGTAGGGGAGTCAGATGT-3'
Protein context (NP_002683.2, residues 459-479): CPVYWAYDYA[Leu469Phe]RVYPVPDLLV